The following is an entry in ClinVar:

NM_032790.4(ORAI1):c.49C>T (p.Pro17Ser)

Genes: ORAI1 (ORAI calcium release-activated calcium modulator 1; plus strand), LOC130008987 (ATAC-STARR-seq lymphoblastoid silent region 4981; plus strand). Cytogenetic location: 12q24.31.
Variant type: single nucleotide variant.
Coding change: c.49C>T on transcript NM_032790.4 (MANE Select); coding-DNA position 49, C replaced by T.
Protein change: p.Pro17Ser; replaces proline 17 with serine.
Genome position (GRCh38, 1-based): chr12:121,626,791, C>T. VCF-style: chr12-121626791-C-T. GRCh37 (hg19) VCF-style: chr12-122064696-C-T.
Other names: p.Pro17Ser; short protein forms P17S.
Identifiers: ClinVar variation 541945 (VCV000541945.17), dbSNP rs568054544, ClinGen allele CA6837403.

ClinVar aggregate classification (germline): Conflicting classifications of pathogenicity. Review status: criteria provided, conflicting classifications (1 of 4 stars). 5 submissions from 5 submitters: Uncertain significance (1); Likely benign (3). 1 of the submissions does not count toward it. Last evaluated 2026-01-19.

Conditions:
Combined immunodeficiency due to ORAI1 deficiency. Also called: IMMUNODEFICIENCY 9. Identifiers: Orphanet 169090, Orphanet 317428, MedGen C2748568, MONDO:0013007, OMIM 612782.
Myopathy, tubular aggregate, 2 (TAM2). Identifiers: MedGen C4014557, MONDO:0014383, OMIM 615883.
ORAI1-related disorder. Also called: ORAI1-related condition.

Allele frequency attached by ClinVar (database versions not stated): gnomAD exomes 0.00018 and 0.00009; ExAC below 0.00001; 1000 Genomes Project 0.00020; gnomAD 0.00146 and 0.00138; TOPMed 0.00141; 1000 Genomes Project 30x 0.00250.

Submissions (5):

Labcorp Genetics (formerly Invitae), Labcorp
Classification: Likely benign for Myopathy, tubular aggregate, 2; Combined immunodeficiency due to ORAI1 deficiency. Last evaluated: 2026-01-19. Review status: criteria provided, single submitter. Criteria: Invitae Variant Classification Sherloc (09022015). Collection method: clinical testing. Allele origin: germline.

Women's Health and Genetics/Laboratory Corporation of America, LabCorp
Classification: Uncertain significance. Last evaluated: 2026-01-18. Review status: criteria provided, single submitter. Criteria: LabCorp Variant Classification Summary - May 2015. Collection method: clinical testing. Allele origin: germline.
Comment: Variant summary: ORAI1 c.49C>T (p.Pro17Ser) results in a non-conservative amino acid change in the encoded protein sequence. Algorithms developed to predict the effect of missense changes on protein structure and function are either unavailable or do not agree on the potential impact of this missense change. The variant allele was found at a frequency of 8.6e-05 in 23338 control chromosomes. The available data on variant occurrences in the general population are insufficient to allow any conclusion about variant significance. To our knowledge, no occurrence of c.49C>T in individuals affected with ORAI1-related conditions and no experimental evidence demonstrating its impact on protein function have been reported. ClinVar contains an entry for this variant (Variation ID: 541945). Based on the evidence outlined above, the variant was classified as uncertain significance.

Mayo Clinic Laboratories, Mayo Clinic
Classification: Likely benign. Last evaluated: 2024-01-12. Review status: criteria provided, single submitter. Criteria: ACMG Guidelines, 2015. Collection method: clinical testing. Allele origin: germline. Observed: 4 variant alleles.
Comment: BS1, BP4

Breakthrough Genomics
Classification: Likely benign. Review status: criteria provided, single submitter. Criteria: ACMG Guidelines, 2015. Collection method: not provided. Allele origin: germline. Inheritance: Autosomal recessive inheritance. Affected: yes.

PreventionGenetics, part of Exact Sciences
Classification: Likely benign for ORAI1-related condition. Last evaluated: 2022-07-25. Review status: no assertion criteria provided. Collection method: clinical testing. Allele origin: germline. Not counted in ClinVar's aggregate classification.
Comment: This variant is classified as likely benign based on ACMG/AMP sequence variant interpretation guidelines (Richards et al. 2015 PMID: 25741868, with internal and published modifications).